The following is an entry in ClinVar:

NM_000391.4(TPP1):c.1003G>A (p.Ala335Thr)

Gene: TPP1 (tripeptidyl peptidase 1; minus strand). Cytogenetic location: 11p15.4.
Variant type: single nucleotide variant.
Coding change: c.1003G>A on transcript NM_000391.4 (MANE Select); coding-DNA position 1003, G replaced by A.
Protein change: p.Ala335Thr; replaces alanine 335 with threonine.
Molecular consequence: missense variant.
Genome position (GRCh38, 1-based): chr11:6,616,387, C>T on the plus strand (G>A on the coding strand, the complement: TPP1 is on the minus strand). VCF-style: chr11-6616387-C-T. GRCh37 (hg19) VCF-style: chr11-6637618-C-T.
Other names: short protein forms A335T.
Identifiers: ClinVar variation 946567 (VCV000946567.10), dbSNP rs146927291, ClinGen allele CA5858794.

ClinVar aggregate classification (germline): Uncertain significance. Review status: criteria provided, multiple submitters, no conflicts (2 of 4 stars). 4 submissions from 4 submitters: Uncertain significance (3). 1 of the submissions does not count toward it. Last evaluated 2024-12-16.

Conditions:
Inborn genetic diseases. Identifiers: MedGen C0950123, MeSH D030342.
Neuronal ceroid lipofuscinosis 2. Also called: JANSKY-BIELSCHOWSKY DISEASE NEURONAL CEROID LIPOFUSCINOSIS, LATE INFANTILE; TPP1-Related Neuronal Ceroid-Lipofuscinosis. Identifiers: Orphanet 168491, Orphanet 228349, Orphanet 79264, MedGen C1876161, MONDO:0008769, OMIM 204500.

Allele frequency attached by ClinVar (database versions not stated): gnomAD exomes 0.00001 and 0.00002; ExAC 0.00002; TOPMed 0.00003; gnomAD 0.00004; ESP Exome Variant Server 0.00008.
gnomAD v4.1: 28 of 1,613,780 alleles (0.0017%); highest among the groups gnomAD compares: Non-Finnish European, 0.0015%; no homozygotes.

Submissions (4):

Labcorp Genetics (formerly Invitae), Labcorp
Classification: Uncertain significance. Last evaluated: 2024-12-16. Review status: criteria provided, single submitter. Criteria: Invitae Variant Classification Sherloc (09022015). Collection method: clinical testing. Allele origin: germline.
Comment: This sequence change replaces alanine, which is neutral and non-polar, with threonine, which is neutral and polar, at codon 335 of the TPP1 protein (p.Ala335Thr). This variant is present in population databases (rs146927291, gnomAD 0.02%). This variant has not been reported in the literature in individuals affected with TPP1-related conditions. ClinVar contains an entry for this variant (Variation ID: 946567). Invitae Evidence Modeling of protein sequence and biophysical properties (such as structural, functional, and spatial information, amino acid conservation, physicochemical variation, residue mobility, and thermodynamic stability) indicates that this missense variant is not expected to disrupt TPP1 protein function with a negative predictive value of 95%. In summary, the available evidence is currently insufficient to determine the role of this variant in disease. Therefore, it has been classified as a Variant of Uncertain Significance.

GeneDx
Classification: Uncertain significance. Last evaluated: 2024-05-30. Review status: criteria provided, single submitter. Criteria: GeneDx Variant Classification Process June 2021. Collection method: clinical testing. Allele origin: germline. Affected: yes.
Comment: In silico analysis indicates that this missense variant does not alter protein structure/function; Has not been previously published as pathogenic or benign to our knowledge

Ambry Genetics
Classification: Uncertain significance for Inborn genetic diseases. Last evaluated: 2018-09-15. Review status: criteria provided, single submitter. Criteria: Ambry Variant Classification Scheme 2023. Collection method: clinical testing. Allele origin: germline.
Comment: The p.A335T variant (also known as c.1003G>A), located in coding exon 8 of the TPP1 gene, results from a G to A substitution at nucleotide position 1003. The alanine at codon 335 is replaced by threonine, an amino acid with similar properties. This amino acid position is not well conserved in available vertebrate species, and threonine is the reference amino acid in other vertebrate species. In addition, this alteration is predicted to be tolerated by in silico analysis. Since supporting evidence is limited at this time, the clinical significance of this alteration remains unclear.

Natera, Inc.
Classification: Uncertain significance for Neuronal ceroid lipofuscinosis 2. Last evaluated: 2020-08-03. Review status: no assertion criteria provided. Collection method: clinical testing. Allele origin: germline. Not counted in ClinVar's aggregate classification.